The following is an entry in ClinVar:

NM_015139.3(SLC35D1):c.412C>G (p.Leu138Val)

Gene: SLC35D1 (solute carrier family 35 member D1; minus strand). Cytogenetic location: 1p31.3.
Variant type: single nucleotide variant.
Coding change: c.412C>G on transcript NM_015139.3 (MANE Select); coding-DNA position 412, C replaced by G.
Protein change: p.Leu138Val; replaces leucine 138 with valine.
Molecular consequence: missense variant.
Genome position (GRCh38, 1-based): chr1:67,050,485, G>C on the plus strand (C>G on the coding strand, the complement: SLC35D1 is on the minus strand). VCF-style: chr1-67050485-G-C. GRCh37 (hg19) VCF-style: chr1-67516168-G-C.
Other names: short protein forms L138V.
Identifiers: ClinVar variation 2128628 (VCV002128628.4), dbSNP rs2524800004, ClinGen allele CA340706797.
Genomic context (GRCh38, chr1:67,050,485, plus strand): 5'-TAGCTCACTTGAGTAAAACTCCTTCAGCAAACATTGTAAACAGGATGGAGAACCTTCTCA[G>C]AACTGTAAACATTGGCAAGCTGGAAAAAAAAAAGATAATTAGGTAAAATAGAATTTAACA-3'
Protein context (NP_055954.1, residues 128-148): KKLNLPMFTV[Leu138Val]RRFSILFTMF

ClinVar aggregate classification (germline): Uncertain significance (1 of 4 stars; one submission).

Conditions:
Schneckenbecken dysplasia. Identifiers: Orphanet 3144, MedGen C0432194, MONDO:0010013, OMIM 269250.

gnomAD v4.1: 4 of 1,611,832 alleles (0.00025%); highest among the groups gnomAD compares: Non-Finnish European, 0.00034%; no homozygotes.

Submission:

Labcorp Genetics (formerly Invitae), Labcorp
Classification: Uncertain significance for Schneckenbecken dysplasia. Last evaluated: 2024-10-23. Review status: criteria provided, single submitter. Criteria: Invitae Variant Classification Sherloc (09022015). Collection method: clinical testing. Allele origin: germline.
Comment: This sequence change replaces leucine, which is neutral and non-polar, with valine, which is neutral and non-polar, at codon 138 of the SLC35D1 protein (p.Leu138Val). This variant is not present in population databases (gnomAD no frequency). This variant has not been reported in the literature in individuals affected with SLC35D1-related conditions. ClinVar contains an entry for this variant (Variation ID: 2128628). Invitae Evidence Modeling of protein sequence and biophysical properties (such as structural, functional, and spatial information, amino acid conservation, physicochemical variation, residue mobility, and thermodynamic stability) indicates that this missense variant is expected to disrupt SLC35D1 protein function with a positive predictive value of 80%. In summary, the available evidence is currently insufficient to determine the role of this variant in disease. Therefore, it has been classified as a Variant of Uncertain Significance.